The following is an entry in ClinVar:

ClinVar aggregate classification (germline): Pathogenic. Review status: criteria provided, multiple submitters, no conflicts (2 of 4 stars). 2 submissions from 2 submitters: Pathogenic (2). Last evaluated 2022-09-01.

Conditions:
Blepharophimosis - intellectual disability syndrome, SBBYS type (SBBYSS). Also called: Say-Barber-Biesecker variant of Ohdo syndrome (SBBYSS); Say-Barber-Biesecker-Young-Simpson syndrome; Ohdo syndrome, SBBYS variant; SBBYSS syndrome; Say-Barber-Biesecker-Young-Simpson variant of Ohdo Syndrome; Say-Barber-Biesecker Variant of Ohdo Syndrome. Identifiers: Orphanet 3047, MedGen C1863557, MONDO:0011365, OMIM 603736.

Submissions (2):

3billion
Classification: Pathogenic for Blepharophimosis - intellectual disability syndrome, SBBYS type. Last evaluated: 2022-09-01. Review status: criteria provided, single submitter. Criteria: ACMG Guidelines, 2015. Collection method: clinical testing. Allele origin: germline. Affected: yes. Observed: 1 heterozygote.
Comment: The variant is not observed in the gnomAD v2.1.1 dataset. Frameshift variant is predicted to result in a loss or disruption of normal protein function through nonsense-mediated decay (NMD) or protein truncation. Multiple pathogenic variants are reported downstream of the variant. The variant has been reported to be associated with KAT6B-related disorder (ClinVar ID: VCV000524091). Therefore, this variant is classified as Pathogenic according to the recommendation of ACMG/AMP guideline.

GeneDx
Classification: Pathogenic. Last evaluated: 2018-04-17. Review status: criteria provided, single submitter. Criteria: GeneDx Variant Classification (06012015). Collection method: clinical testing. Allele origin: germline. Affected: yes.
Comment: The c.3253delG variant in the KAT6B gene has not been reported previously as a pathogenic variant nor as a benign variant, to our knowledge. The c.3253delG variant causes a frameshift starting with codon Glutamic acid 1085, changes this amino acid to a Lysine residue, and creates a premature Stop codon at position 29 of the new reading frame, denoted p.Glu1085LysfsX29. This variant is predicted to cause loss of normal protein function either through protein truncation or nonsense-mediated mRNA decay. The c.3253delG variant is not observed in large population cohorts (Lek et al., 2016). We interpret c.3253delG as a pathogenic variant.

NM_012330.4(KAT6B):c.3253del (p.Glu1085fs)

Gene: KAT6B (lysine acetyltransferase 6B; plus strand). Cytogenetic location: 10q22.2.
Variant type: Deletion.
Coding change: c.3253del on transcript NM_012330.4 (MANE Select); coding-DNA position 3253, one base deleted (G; older notation c.3253delG).
Protein change: p.Glu1085fs; shifts the reading frame from glutamic acid 1085.
Molecular consequence: frameshift variant.
Genome position (GRCh38, 1-based): chr10:75,022,112, G deleted; the last of 2 consecutive G bases (chr10:75,022,111-75,022,112); deleting either gives the same sequence. VCF-style (leftmost placement, unchanged base first): chr10-75022110-AG-A. GRCh37 (hg19) VCF-style: chr10-76781868-AG-A.
Other names: c.2704del, p.Glu902fs (NM_001256468.2, NM_001370138.1); c.2377del, p.Glu793fs (NM_001256469.2, NM_001370139.1, NM_001370140.1 and 2 more transcripts); c.2215del, p.Glu739fs (NM_001370132.1); c.1564del, p.Glu522fs (NM_001370133.1); c.1168del, p.Glu390fs (NM_001370134.1); c.910del, p.Glu304fs (NM_001370135.1); c.3253del, p.Glu1085fs (NM_001370136.1, NM_001370137.1); c.2188del, p.Glu730fs (NM_001370143.1, NM_001370144.1); short protein forms E1085fs, E304fs, E390fs, E730fs, E739fs, E902fs, E793fs, E522fs.
Identifiers: ClinVar variation 524091 (VCV000524091.3), dbSNP rs1554843880, ClinGen allele CA658797446.